The following is an entry in ClinVar:

ClinVar aggregate classification (germline): Uncertain significance. Review status: criteria provided, multiple submitters, no conflicts (2 of 4 stars). 2 submissions from 2 submitters: Uncertain significance (2). Last evaluated 2022-12-06.

Conditions:
Cardiovascular phenotype. Identifiers: MedGen CN230736.
Arrhythmogenic right ventricular dysplasia 12. Also called: ARRHYTHMOGENIC RIGHT VENTRICULAR DYSPLASIA, FAMILIAL, 12. Identifiers: MedGen C1969081, MONDO:0012684, OMIM 611528.
Naxos disease (NXD). Also called: PALMOPLANTAR KERATODERMA WITH ARRHYTHMOGENIC RIGHT VENTRICULAR CARDIOMYOPATHY AND WOOLLY HAIR; WOOLLY HAIR, PALMOPLANTAR KERATODERMA, AND CARDIAC ABNORMALITIES; CARDIOMYOPATHY, ARRHYTHMOGENIC RIGHT VENTRICULAR, WITH SKIN, HAIR, AND NAIL ABNORMALITIES; KERATOSIS PALMOPLANTARIS WITH ARRHYTHMOGENIC CARDIOMYOPATHY; MAL DE NAXOS. Identifiers: Orphanet 34217, MedGen C1832600, MONDO:0011017, OMIM 601214.

Allele frequency attached by ClinVar (database versions not stated): gnomAD exomes below 0.00001; TOPMed below 0.00001.

Submissions (2):

Ambry Genetics
Classification: Uncertain significance for Cardiovascular phenotype. Last evaluated: 2022-12-06. Review status: criteria provided, single submitter. Criteria: Ambry Variant Classification Scheme 2023. Collection method: clinical testing. Allele origin: germline.

Labcorp Genetics (formerly Invitae), Labcorp
Classification: Uncertain significance for Arrhythmogenic right ventricular dysplasia 12; Naxos disease. Last evaluated: 2021-10-19. Review status: criteria provided, single submitter. Criteria: Invitae Variant Classification Sherloc (09022015). Collection method: clinical testing. Allele origin: germline.
Comment: This sequence change replaces methionine with isoleucine at codon 193 of the JUP protein (p.Met193Ile). The methionine residue is moderately conserved and there is a small physicochemical difference between methionine and isoleucine. This variant is not present in population databases (ExAC no frequency). This variant has not been reported in the literature in individuals affected with JUP-related conditions. Algorithms developed to predict the effect of missense changes on protein structure and function (SIFT, PolyPhen-2, Align-GVGD) all suggest that this variant is likely to be tolerated. In summary, the available evidence is currently insufficient to determine the role of this variant in disease. Therefore, it has been classified as a Variant of Uncertain Significance.

NM_002230.4(JUP):c.579G>A (p.Met193Ile)

Gene: JUP (junction plakoglobin; minus strand). Cytogenetic location: 17q21.2.
Variant type: single nucleotide variant.
Coding change: c.579G>A on transcript NM_002230.4 (MANE Select); coding-DNA position 579, G replaced by A.
Protein change: p.Met193Ile; replaces methionine 193 with isoleucine.
Molecular consequence: missense variant.
Genome position (GRCh38, 1-based): chr17:41,769,097, C>T on the plus strand (G>A on the coding strand, the complement: JUP is on the minus strand). VCF-style: chr17-41769097-C-T. GRCh37 (hg19) VCF-style: chr17-39925349-C-T.
Other names: c.579G>A, p.Met193Ile (NM_001352773.2, NM_001352774.2, NM_001352775.2 and 3 more transcripts); c.579G>A (NM_002230.2); short protein forms M193I.
Identifiers: ClinVar variation 1492965 (VCV001492965.7), dbSNP rs1916162051, ClinGen allele CA399503150.
Genomic context (GRCh38, chr17:41,769,097, plus strand): 5'-GGAGAGGTTGTGCAGGATGCTGGTGGTGCAGCGGGCTGTGTCCAGGTCGCTGGTATTCTG[C>T]ATGGTACGCACGACAGCGGCCACCAGCTGGGGCGAGCCCATCAGGGCCCGCCGCGACGCC-3'
Protein context (NP_002221.1, residues 183-203): PQLVAAVVRT[Met193Ile]QNTSDLDTAR